The following is an entry in ClinVar:

NM_014244.5(ADAMTS2):c.2763C>T (p.Gly921=)

Gene: ADAMTS2 (ADAM metallopeptidase with thrombospondin type 1 motif 2; minus strand). Cytogenetic location: 5q35.3.
Variant type: single nucleotide variant.
Coding change: c.2763C>T on transcript NM_014244.5 (MANE Select); coding-DNA position 2763, C replaced by T.
Protein change: p.Gly921=; no amino-acid change (glycine 921 retained).
Molecular consequence: synonymous variant.
Genome position (GRCh38, 1-based): chr5:179,125,168, G>A on the plus strand (C>T on the coding strand, the complement: ADAMTS2 is on the minus strand). VCF-style: chr5-179125168-G-A. GRCh37 (hg19) VCF-style: chr5-178552169-G-A.
Other names: p.Gly921=.
Identifiers: ClinVar variation 706257 (VCV000706257.22), dbSNP rs144797464, ClinGen allele CA3595416.

ClinVar aggregate classification (germline): Benign/Likely benign. Review status: criteria provided, multiple submitters, no conflicts (2 of 4 stars). 7 submissions from 7 submitters: Benign (2); Likely benign (3). 2 of the submissions do not count toward it. Last evaluated 2026-04-07.

Conditions:
Ehlers-Danlos syndrome, dermatosparaxis type. Also called: Ehlers-Danlos syndrome, type VII, autosomal recessive; EDS VIIC; Dermatosparaxis. Identifiers: Orphanet 1901, MedGen C2700425, MONDO:0009161, OMIM 225410.
ADAMTS2-related disorder. Also called: ADAMTS2-related condition.

Allele frequency attached by ClinVar (database versions not stated): gnomAD exomes 0.00021; ExAC 0.00028; ESP Exome Variant Server 0.00092; gnomAD 0.00096 and 0.00103; TOPMed 0.00096; 1000 Genomes Project 0.00120; 1000 Genomes Project 30x 0.00203.
gnomAD v4.1: 289 of 1,612,462 alleles (0.018%); highest among the groups gnomAD compares: African/African-American, 0.29%; 1 homozygote.

Submissions (12):

Women's Health and Genetics/Laboratory Corporation of America, LabCorp
Classification: Benign. Last evaluated: 2026-04-07. Review status: criteria provided, single submitter. Criteria: LabCorp Variant Classification Summary - May 2015. Collection method: clinical testing. Allele origin: germline.
Comment: Variant summary: ADAMTS2 c.2763C>T alters a conserved nucleotide resulting in a synonymous change. Several computational tools predict a significant impact on normal splicing: Three predict the variant creates a cryptic 5' donor site. and one predicts the variant strengthens a cryptic 5' donor site. However, these predictions have yet to be confirmed by functional studies. The variant allele was found at a frequency of 0.00021 in 249018 control chromosomes, predominantly at a frequency of 0.0025 within the African or African-American subpopulation in the gnomAD database. The observed variant frequency within African or African-American control individuals in the gnomAD database exceeds the estimated maximal expected allele frequency for disease-causing variants in ADAMTS2. To our knowledge, no occurrence of c.2763C>T in individuals affected with ADAMTS2-related conditions and no experimental evidence demonstrating its impact on protein function have been reported. ClinVar contains an entry for this variant (Variation ID: 706257). Based on the evidence outlined above, the variant was classified as benign.

Labcorp Genetics (formerly Invitae), Labcorp
Classification: Benign for Ehlers-Danlos syndrome, dermatosparaxis type. Last evaluated: 2026-02-04. Review status: criteria provided, single submitter. Criteria: Invitae Variant Classification Sherloc (09022015). Collection method: clinical testing. Allele origin: germline.

Mayo Clinic Laboratories, Mayo Clinic
Classification: Likely benign. Last evaluated: 2025-10-17. Review status: criteria provided, single submitter. Criteria: ACMG Guidelines, 2015. Collection method: clinical testing. Allele origin: germline. Observed: 1 variant allele.
Comment: BP4, BP7

Blueprint Genetics
Classification: Likely benign. Last evaluated: 2024-04-11. Review status: criteria provided, single submitter. Criteria: ACMG Guidelines, 2015. Collection method: clinical testing. Allele origin: germline.

GeneDx
Classification: Likely benign. Last evaluated: 2021-04-10. Review status: criteria provided, single submitter. Criteria: GeneDx Variant Classification Process June 2021. Collection method: clinical testing. Allele origin: germline. Affected: yes.

PreventionGenetics, part of Exact Sciences
Classification: Likely benign for ADAMTS2-related condition. Last evaluated: 2024-03-07. Review status: no assertion criteria provided. Collection method: clinical testing. Allele origin: germline. Not counted in ClinVar's aggregate classification.
Comment: This variant is classified as likely benign based on ACMG/AMP sequence variant interpretation guidelines (Richards et al. 2015 PMID: 25741868, with internal and published modifications).

Natera, Inc.
Classification: Likely benign for Ehlers-Danlos syndrome type VIIC. Last evaluated: 2020-02-06. Review status: no assertion criteria provided. Collection method: clinical testing. Allele origin: germline. Not counted in ClinVar's aggregate classification.

Dr. Peter K. Rogan Lab, Western University
No classification provided (evidence only). Condition: Familial cancer of breast. Review status: no classification provided. Collection method: in vitro. Allele origin: not applicable. Functional consequence: retained intron. Not counted in ClinVar's aggregate classification.

Dr. Peter K. Rogan Lab, Western University
No classification provided (evidence only). Condition: Uterine corpus endometrial carcinoma. Review status: no classification provided. Collection method: in vitro. Allele origin: not applicable. Functional consequence: retained intron. Not counted in ClinVar's aggregate classification.

Dr. Peter K. Rogan Lab, Western University
No classification provided (evidence only). Condition: Ovarian serous cystadenocarcinoma. Review status: no classification provided. Collection method: in vitro. Allele origin: not applicable. Functional consequence: retained intron. Not counted in ClinVar's aggregate classification.

Dr. Peter K. Rogan Lab, Western University
No classification provided (evidence only). Condition: Nonpapillary renal cell carcinoma. Review status: no classification provided. Collection method: in vitro. Allele origin: not applicable. Functional consequence: retained intron. Not counted in ClinVar's aggregate classification.

Dr. Peter K. Rogan Lab, Western University
No classification provided (evidence only). Condition: Nonpapillary renal cell carcinoma. Review status: no classification provided. Collection method: in vitro. Allele origin: not applicable. Functional consequence: retained intron. Not counted in ClinVar's aggregate classification.